The following is an entry in ClinVar:

NM_000228.3(LAMB3):c.2110G>C (p.Glu704Gln)

Gene: LAMB3 (laminin subunit beta 3; minus strand). Cytogenetic location: 1q32.2.
Variant type: single nucleotide variant.
Coding change: c.2110G>C on transcript NM_000228.3 (MANE Select); coding-DNA position 2110, G replaced by C.
Protein change: p.Glu704Gln; replaces glutamic acid 704 with glutamine.
Molecular consequence: missense variant.
Genome position (GRCh38, 1-based): chr1:209,623,867, C>G on the plus strand (G>C on the coding strand, the complement: LAMB3 is on the minus strand). VCF-style: chr1-209623867-C-G. GRCh37 (hg19) VCF-style: chr1-209797212-C-G.
Other names: c.2110G>C, p.Glu704Gln (NM_001017402.2, NM_001127641.1); short protein forms E704Q.
Identifiers: ClinVar variation 1343453 (VCV001343453.1), dbSNP rs750850607, ClinGen allele CA1375382.

ClinVar aggregate classification (germline): Uncertain significance (1 of 4 stars; one submission).

Allele frequency attached by ClinVar (database versions not stated): gnomAD exomes 0.00002; ExAC 0.00002.
gnomAD v4.1: 9 of 1,614,186 alleles (0.00056%); highest among the groups gnomAD compares: South Asian, 0.0099%; 1 homozygote.

Submission:

Women's Health and Genetics/Laboratory Corporation of America, LabCorp
Classification: Uncertain significance. Last evaluated: 2022-02-05. Review status: criteria provided, single submitter. Criteria: LabCorp Variant Classification Summary - May 2015. Collection method: clinical testing. Allele origin: germline.
Comment: Variant summary: LAMB3 c.2110G>C (p.Glu704Gln) results in a conservative amino acid change in the encoded protein sequence. Three of five in-silico tools predict a benign effect of the variant on protein function. The variant allele was found at a frequency of 2e-05 in 251462 control chromosomes. The available data on variant occurrences in the general population are insufficient to allow any conclusion about variant significance. To our knowledge, no occurrence of c.2110G>C in individuals affected with Junctional Epidermolysis Bullosa and no experimental evidence demonstrating its impact on protein function have been reported. No clinical diagnostic laboratories have submitted clinical-significance assessments for this variant to ClinVar after 2014. Based on the evidence outlined above, the variant was classified as uncertain significance.